The following is an entry in ClinVar:

ClinVar aggregate classification (germline): Benign/Likely benign (0 of 4 stars; one submission).

Submission:

GeneDx
Classification: Benign/Likely benign. Last evaluated: 2011-04-30. Review status: no assertion criteria provided. Collection method: clinical testing. Allele origin: not provided. Affected: yes. Observed: 3 variant alleles. Clinical features observed: Developmental delay AND/OR other significant developmental or morphological phenotypes, Global developmental delay (HP:0001263).
Comment: Likely benign (1), Benign (2)

GRCh38/hg38 5p15.33(chr5:554159-607509)x3

Genes: CEP72-DT (CEP72 divergent transcript), LOC132089275 (Neanderthal introgressed variant-containing enhancer experimental_86175), LOC132089289 (Neanderthal introgressed variant-containing enhancer experimental_86692/86693), LOC132090721 (Neanderthal introgressed variant-containing enhancer experimental_86701). Cytogenetic location: 5p15.33.
Variant type: copy number gain.
Change: copy number 3 (three copies instead of two) of chr5:554,159-607,509 (53.4 kb, GRCh38 coordinates, 1-based), cytogenetic band 5p15.33.
Identifiers: ClinVar variation 145280 (VCV000145280.1).